The following is an entry in ClinVar:

NM_001776.6(ENTPD1):c.441G>C (p.Arg147Ser)

Genes: ENTPD1 (ectonucleoside triphosphate diphosphohydrolase 1; plus strand), ENTPD1-AS1 (ENTPD1 antisense RNA 1; minus strand). Cytogenetic location: 10q24.1.
Variant type: single nucleotide variant.
Coding change: c.441G>C on transcript NM_001776.6 (MANE Select); coding-DNA position 441, G replaced by C.
Protein change: p.Arg147Ser; replaces arginine 147 with serine.
Molecular consequence: missense variant.
Genome position (GRCh38, 1-based): chr10:95,844,503, G>C. VCF-style: chr10-95844503-G-C. GRCh37 (hg19) VCF-style: chr10-97604260-G-C.
Other names: c.462G>C, p.Arg154Ser (NM_001098175.2); c.477G>C, p.Arg159Ser (NM_001164178.1, NM_001320916.1); c.441G>C, p.Arg147Ser (NM_001164179.2); c.117G>C, p.Arg39Ser (NM_001164181.1, NM_001312654.1); c.27G>C, p.Arg9Ser (NM_001164182.2, NM_001164183.2); short protein forms R147S, R154S, R9S, R159S, R39S.
Identifiers: ClinVar variation 958666 (VCV000958666.10), dbSNP rs142431233, ClinGen allele CA5621404.

ClinVar aggregate classification (germline): Uncertain significance. Review status: criteria provided, multiple submitters, no conflicts (2 of 4 stars). 3 submissions from 3 submitters: Uncertain significance (3). Last evaluated 2024-11-13.

Conditions:
Inborn genetic diseases. Identifiers: MedGen C0950123, MeSH D030342.
Hereditary spastic paraplegia 64. Also called: Spastic paraplegia 64, autosomal recessive; ENTPD1-Related Neurodevelopmental Disorder. Identifiers: Orphanet 401810, MedGen C3810289, MONDO:0014303, OMIM 615683.

Allele frequency attached by ClinVar (database versions not stated): TOPMed 0.00009; gnomAD exomes 0.00014 and 0.00017; ExAC 0.00020; ESP Exome Variant Server 0.00023; 1000 Genomes Project 0.00060; 1000 Genomes Project 30x 0.00062.
gnomAD v4.1: 277 of 1,614,172 alleles (0.017%); highest among the groups gnomAD compares: Middle Eastern, 0.05%; no homozygotes.

Submissions (3):

Ambry Genetics
Classification: Uncertain significance for Inborn genetic diseases. Last evaluated: 2024-11-13. Review status: criteria provided, single submitter. Criteria: Ambry Variant Classification Scheme 2023. Collection method: clinical testing. Allele origin: germline.

Labcorp Genetics (formerly Invitae), Labcorp
Classification: Uncertain significance for Hereditary spastic paraplegia 64. Last evaluated: 2024-01-22. Review status: criteria provided, single submitter. Criteria: Invitae Variant Classification Sherloc (09022015). Collection method: clinical testing. Allele origin: germline.
Comment: This sequence change replaces arginine, which is basic and polar, with serine, which is neutral and polar, at codon 147 of the ENTPD1 protein (p.Arg147Ser). This variant is present in population databases (rs142431233, gnomAD 0.03%). This variant has not been reported in the literature in individuals affected with ENTPD1-related conditions. ClinVar contains an entry for this variant (Variation ID: 958666). Advanced modeling of protein sequence and biophysical properties (such as structural, functional, and spatial information, amino acid conservation, physicochemical variation, residue mobility, and thermodynamic stability) performed at Invitae indicates that this missense variant is not expected to disrupt ENTPD1 protein function with a negative predictive value of 80%. In summary, the available evidence is currently insufficient to determine the role of this variant in disease. Therefore, it has been classified as a Variant of Uncertain Significance.

Breakthrough Genomics
Classification: Uncertain significance. Review status: criteria provided, single submitter. Criteria: ACMG Guidelines, 2015. Collection method: not provided. Allele origin: germline. Inheritance: Autosomal recessive inheritance. Affected: yes.